The following is an entry in ClinVar:

NM_015693.4(INTU):c.295G>A (p.Asp99Asn)

Gene: INTU (inturned planar cell polarity protein; plus strand). Cytogenetic location: 4q28.1.
Variant type: single nucleotide variant.
Coding change: c.295G>A on transcript NM_015693.4 (MANE Select); coding-DNA position 295, G replaced by A.
Protein change: p.Asp99Asn; replaces aspartic acid 99 with asparagine.
Molecular consequence: missense variant.
Genome position (GRCh38, 1-based): chr4:127,643,669, G>A. VCF-style: chr4-127643669-G-A. GRCh37 (hg19) VCF-style: chr4-128564824-G-A.
Other names: short protein forms D99N.
Identifiers: ClinVar variation 2015158 (VCV002015158.4), dbSNP rs2530892219, ClinGen allele CA358133240.

ClinVar aggregate classification (germline): Uncertain significance (1 of 4 stars; one submission).

Submission:

Labcorp Genetics (formerly Invitae), Labcorp
Classification: Uncertain significance. Last evaluated: 2022-07-08. Review status: criteria provided, single submitter. Criteria: Invitae Variant Classification Sherloc (09022015). Collection method: clinical testing. Allele origin: germline.
Comment: In summary, the available evidence is currently insufficient to determine the role of this variant in disease. Therefore, it has been classified as a Variant of Uncertain Significance. Algorithms developed to predict the effect of missense changes on protein structure and function are either unavailable or do not agree on the potential impact of this missense change (SIFT: "Deleterious"; PolyPhen-2: "Possibly Damaging"; Align-GVGD: "Class C0"). This variant has not been reported in the literature in individuals affected with INTU-related conditions. This variant is not present in population databases (gnomAD no frequency). This sequence change replaces aspartic acid, which is acidic and polar, with asparagine, which is neutral and polar, at codon 99 of the INTU protein (p.Asp99Asn).